The following is an entry in ClinVar:

NM_001205293.3(CACNA1E):c.498C>T (p.Ile166=)

Gene: CACNA1E (calcium voltage-gated channel subunit alpha1 E; plus strand). Cytogenetic location: 1q25.3.
Variant type: single nucleotide variant.
Coding change: c.498C>T on transcript NM_001205293.3 (MANE Select); coding-DNA position 498, C replaced by T.
Protein change: p.Ile166=; no amino-acid change (isoleucine 166 retained).
Molecular consequence: synonymous variant.
Genome position (GRCh38, 1-based): chr1:181,511,496, C>T. VCF-style: chr1-181511496-C-T. GRCh37 (hg19) VCF-style: chr1-181480632-C-T.
Other names: c.498C>T, p.Ile166= (NM_000721.4, NM_001205294.2); c.498C>T (NM_000721.3).
Identifiers: ClinVar variation 1648542 (VCV001648542.11), dbSNP rs376114074, ClinGen allele CA1274903.

ClinVar aggregate classification (germline): Likely benign. Review status: criteria provided, multiple submitters, no conflicts (2 of 4 stars). 4 submissions from 4 submitters: Likely benign (3). 1 of the submissions does not count toward it. Last evaluated 2025-10-23.

Conditions:
CACNA1E-related disorder. Also called: CACNA1E-related condition.

Allele frequency attached by ClinVar (database versions not stated): gnomAD exomes 0.00002; gnomAD 0.00003; ExAC 0.00004; TOPMed 0.00005; ESP Exome Variant Server 0.00008.
gnomAD v4.1: 30 of 1,613,604 alleles (0.0019%); highest among the groups gnomAD compares: Middle Eastern, 0.051%; no homozygotes.

Submissions (4):

Labcorp Genetics (formerly Invitae), Labcorp
Classification: Likely benign. Last evaluated: 2025-10-23. Review status: criteria provided, single submitter. Criteria: Invitae Variant Classification Sherloc (09022015). Collection method: clinical testing. Allele origin: germline.

Blueprint Genetics
Classification: Likely benign. Last evaluated: 2020-01-09. Review status: criteria provided, single submitter. Criteria: ACMG Guidelines, 2015. Collection method: clinical testing. Allele origin: germline.

Breakthrough Genomics
Classification: Likely benign. Review status: criteria provided, single submitter. Criteria: ACMG Guidelines, 2015. Collection method: not provided. Allele origin: germline. Inheritance: Autosomal dominant inheritance. Affected: yes.

PreventionGenetics, part of Exact Sciences
Classification: Likely benign for CACNA1E-related condition. Last evaluated: 2024-04-25. Review status: no assertion criteria provided. Collection method: clinical testing. Allele origin: germline. Not counted in ClinVar's aggregate classification.
Comment: This variant is classified as likely benign based on ACMG/AMP sequence variant interpretation guidelines (Richards et al. 2015 PMID: 25741868, with internal and published modifications).